The following is an entry in ClinVar:

ClinVar aggregate classification (germline): Uncertain significance. Review status: criteria provided, multiple submitters, no conflicts (2 of 4 stars). 2 submissions from 2 submitters: Uncertain significance (2). Last evaluated 2025-04-18.

Conditions:
Colorectal cancer, hereditary nonpolyposis, type 7. Identifiers: Orphanet 144, MedGen C1858380, MONDO:0013725, OMIM 614385.

Allele frequency attached by ClinVar (database versions not stated): gnomAD 0.00002.
gnomAD v4.1: 3 of 1,613,614 alleles (0.00019%); highest among the groups gnomAD compares: Admixed American, 0.0033%; no homozygotes.

Submissions (2):

Ambry Genetics
Classification: Uncertain significance. Last evaluated: 2025-04-18. Review status: criteria provided, single submitter. Criteria: Ambry Variant Classification Scheme 2023. Collection method: clinical testing. Allele origin: germline.
Comment: The p.G1250V variant (also known as c.3749G>T), located in coding exon 7 of the MLH3 gene, results from a G to T substitution at nucleotide position 3749. The glycine at codon 1250 is replaced by valine, an amino acid with dissimilar properties. This amino acid position is conserved. In addition, the in silico prediction for this alteration is inconclusive. Since supporting evidence is limited at this time, the clinical significance of this alteration remains unclear.

Labcorp Genetics (formerly Invitae), Labcorp
Classification: Uncertain significance for Colorectal cancer, hereditary nonpolyposis, type 7. Last evaluated: 2024-11-18. Review status: criteria provided, single submitter. Criteria: Invitae Variant Classification Sherloc (09022015). Collection method: clinical testing. Allele origin: germline.
Comment: This sequence change replaces glycine, which is neutral and non-polar, with valine, which is neutral and non-polar, at codon 1250 of the MLH3 protein (p.Gly1250Val). This variant is not present in population databases (gnomAD no frequency). This variant has not been reported in the literature in individuals affected with MLH3-related conditions. ClinVar contains an entry for this variant (Variation ID: 1734530). An algorithm developed to predict the effect of missense changes on protein structure and function (PolyPhen-2) suggests that this variant is likely to be disruptive. In summary, the available evidence is currently insufficient to determine the role of this variant in disease. Therefore, it has been classified as a Variant of Uncertain Significance.

NM_001040108.2(MLH3):c.3749G>T (p.Gly1250Val)

Gene: MLH3 (mutL homolog 3; minus strand). Cytogenetic location: 14q24.3.
Variant type: single nucleotide variant.
Coding change: c.3749G>T on transcript NM_001040108.2 (MANE Select); coding-DNA position 3749, G replaced by T.
Protein change: p.Gly1250Val; replaces glycine 1250 with valine.
Molecular consequence: missense variant.
Genome position (GRCh38, 1-based): chr14:75,032,146, C>A on the plus strand (G>T on the coding strand, the complement: MLH3 is on the minus strand). VCF-style: chr14-75032146-C-A. GRCh37 (hg19) VCF-style: chr14-75498849-C-A.
Other names: c.3677G>T, p.Gly1226Val (NM_014381.3); short protein forms G1226V, G1250V.
Identifiers: ClinVar variation 1734530 (VCV001734530.5), dbSNP rs931917554, ClinGen allele CA263639477.